The following is an entry in ClinVar:

ClinVar aggregate classification (germline): Uncertain significance (1 of 4 stars; one submission).

Allele frequency attached by ClinVar (database versions not stated): gnomAD 0.00001.
gnomAD v4.1: 3 of 1,496,900 alleles (0.0002%); highest among the groups gnomAD compares: Middle Eastern, 0.02%; no homozygotes.

Submission:

Labcorp Genetics (formerly Invitae), Labcorp
Classification: Uncertain significance. Last evaluated: 2024-02-26. Review status: criteria provided, single submitter. Criteria: Invitae Variant Classification Sherloc (09022015). Collection method: clinical testing. Allele origin: germline.
Comment: This sequence change replaces threonine, which is neutral and polar, with isoleucine, which is neutral and non-polar, at codon 924 of the BRD4 protein (p.Thr924Ile). The frequency data for this variant in the population databases is considered unreliable, as metrics indicate poor data quality at this position in the gnomAD database. This variant has not been reported in the literature in individuals affected with BRD4-related conditions. An algorithm developed to predict the effect of missense changes on protein structure and function (PolyPhen-2) suggests that this variant is likely to be disruptive. In summary, the available evidence is currently insufficient to determine the role of this variant in disease. Therefore, it has been classified as a Variant of Uncertain Significance.

NM_001379291.1(BRD4):c.2771C>T (p.Thr924Ile)

Gene: BRD4 (bromodomain containing 4; minus strand). Cytogenetic location: 19p13.12.
Variant type: single nucleotide variant.
Coding change: c.2771C>T on transcript NM_001379291.1 (MANE Select); coding-DNA position 2771, C replaced by T.
Protein change: p.Thr924Ile; replaces threonine 924 with isoleucine.
Molecular consequence: missense variant.
Genome position (GRCh38, 1-based): chr19:15,243,298, G>A on the plus strand (C>T on the coding strand, the complement: BRD4 is on the minus strand). VCF-style: chr19-15243298-G-A. GRCh37 (hg19) VCF-style: chr19-15354109-G-A.
Other names: c.2771C>T, p.Thr924Ile (NM_058243.3); short protein forms T924I.
Identifiers: ClinVar variation 2726214 (VCV002726214.3), dbSNP rs1394568851, ClinGen allele CA404504981.